The following is an entry in ClinVar:

ClinVar aggregate classification (germline): Benign/Likely benign. Review status: criteria provided, multiple submitters, no conflicts (2 of 4 stars). 7 submissions from 7 submitters: Benign (4); Likely benign (3). Last evaluated 2026-02-03.

Conditions:
POLG-related disorder. Also called: POLG-Related Spectrum Disorders; POLG-related condition; POLG-Related Disorders. Identifiers: MedGen C4763519.
Progressive sclerosing poliodystrophy (MTDPS4A). Also called: Alpers Syndrome; Mitochondrial DNA depletion syndrome 4A (Alpers type); Alpers-Huttenlocher Syndrome (AHS); ALPERS PROGRESSIVE INFANTILE POLIODYSTROPHY; Mitochondrial DNA Depletion Syndrome 4A; NEURONAL DEGENERATION OF CHILDHOOD WITH LIVER DISEASE, PROGRESSIVE. Identifiers: Orphanet 726, MedGen C0205710, MONDO:0008758, OMIM 203700.

Allele frequency attached by ClinVar (database versions not stated): gnomAD 0.00040 and 0.00057; gnomAD exomes 0.00067 and 0.00145; TOPMed 0.00096; ExAC 0.00132; 1000 Genomes Project 30x 0.00141; 1000 Genomes Project 0.00180.
gnomAD v4.1: 1,065 of 1,613,092 alleles (0.066%); highest among the groups gnomAD compares: East Asian, 2.1%; 6 homozygotes.

Submissions (7):

Labcorp Genetics (formerly Invitae), Labcorp
Classification: Benign for Progressive sclerosing poliodystrophy. Last evaluated: 2026-02-03. Review status: criteria provided, single submitter. Criteria: Invitae Variant Classification Sherloc (09022015). Collection method: clinical testing. Allele origin: germline.

Mayo Clinic Laboratories, Mayo Clinic
Classification: Benign. Last evaluated: 2025-02-04. Review status: criteria provided, single submitter. Criteria: ACMG Guidelines, 2015. Collection method: clinical testing. Allele origin: germline. Observed: 3 variant alleles.
Comment: BS1, BS2, BP4, BP7

Blueprint Genetics
Classification: Likely benign. Last evaluated: 2024-10-23. Review status: criteria provided, single submitter. Criteria: ACMG Guidelines, 2015. Collection method: clinical testing. Allele origin: germline.

Athena Diagnostics
Classification: Benign. Last evaluated: 2024-01-15. Review status: criteria provided, single submitter. Criteria: Athena Diagnostics Criteria. Collection method: clinical testing. Allele origin: unknown.

Wong Mito Lab, Molecular and Human Genetics, Baylor College of Medicine
Classification: Likely benign for Progressive sclerosing poliodystrophy. Last evaluated: 2018-10-01. Review status: criteria provided, single submitter. Criteria: ACMG Guidelines, 2015. Collection method: clinical testing. Allele origin: germline.
Comment: The NM_002693.2:c.1712+10G>A (NP_002684.1:p.=) [GRCH38: NC_000015.10:g.89326602C>T] variant in POLG gene is interpretated to be a Likely Benign based on ACMG guidelines (PMID: 25741868). This variant meets the following evidence codes reported in the ACMG-guideline. BP4:Computational evidence/predictors indicate no impact on the POLG structure, function, or protein-protein interaction. BP6:Reputable source(s) without shared data suggest the variant is benign. Based on the evidence criteria codes applied, the variant is suggested to be Likely Benign.

Illumina Laboratory Services, Illumina
Classification: Likely benign for POLG-Related Spectrum Disorders. Last evaluated: 2018-01-12. Review status: criteria provided, single submitter. Criteria: ICSL Variant Classification Criteria 13 December 2019. Collection method: clinical testing. Allele origin: germline.
Comment: This variant was observed in the ICSL laboratory as part of a predisposition screen in an ostensibly healthy population. It had not been previously curated by ICSL or reported in the Human Gene Mutation Database (HGMD: prior to June 1st, 2018), and was therefore a candidate for classification through an automated scoring system. Utilizing variant allele frequency, disease prevalence and penetrance estimates, and inheritance mode, an automated score was calculated to assess if this variant is too frequent to cause the disease. Based on the score and internal cut-off values, a variant classified as likely benign is not then subjected to further curation. The score for this variant resulted in a classification of likely benign for this disease.

GeneDx
Classification: Benign. Last evaluated: 2014-05-19. Review status: criteria provided, single submitter. Criteria: GeneDx Variant Classification (06012015). Collection method: clinical testing. Allele origin: germline. Affected: yes.
Comment: This variant is considered likely benign or benign based on one or more of the following criteria: it is a conservative change, it occurs at a poorly conserved position in the protein, it is predicted to be benign by multiple in silico algorithms, and/or has population frequency not consistent with disease.

NM_002693.3(POLG):c.1712+10G>A

Gene: POLG (DNA polymerase gamma, catalytic subunit; minus strand). Cytogenetic location: 15q26.1.
Variant type: single nucleotide variant.
Coding change: c.1712+10G>A on transcript NM_002693.3 (MANE Select); 10 bases into the intron after coding-DNA position 1712, G replaced by A.
Molecular consequence: intron variant.
Genome position (GRCh38, 1-based): chr15:89,326,602, C>T on the plus strand (G>A on the coding strand, the complement: POLG is on the minus strand). VCF-style: chr15-89326602-C-T. GRCh37 (hg19) VCF-style: chr15-89869833-C-T.
Other names: p.?; c.1712+10G>A (NM_001126131.2).
Identifiers: ClinVar variation 138777 (VCV000138777.17), dbSNP rs55962804, ClinGen allele CA292878.